The following is an entry in ClinVar:

ClinVar aggregate classification (germline): Pathogenic (1 of 4 stars; one submission).

Conditions:
Hereditary cancer-predisposing syndrome. Also called: Tumor predisposition; Hereditary Cancer Syndrome; Hereditary neoplastic syndrome; Neoplastic Syndromes, Hereditary. Identifiers: Orphanet 140162, MedGen C0027672, MeSH D009386, MONDO:0015356.

Submission:

GeneDx
Classification: Pathogenic for Neoplastic Syndromes, Hereditary. Last evaluated: 2014-09-18. Review status: criteria provided, single submitter. Criteria: GeneDx Variant Classification (06012015). Collection method: clinical testing. Allele origin: germline. Affected: yes.
Comment: c.1385delC: Ser462LeufsX9 in exon 7 in the BLM gene (NM_000057.2). The normal sequence with the base that is deleted in braces is: AATT{C}TGTT. The c.1385delC mutation in the BLM gene has not been reported previously as a disease-causing mutation nor as a benign polymorphism, to our knowledge. The c.1385delC mutation causes a frameshift starting with codon Serine 462, changes this amino acid to a Leucine residue and creates a premature Stop codon at position 9 of the new reading frame, denoted p.Ser462LeufsX9. This mutation is predicted to cause loss of normal protein function either through protein truncation or nonsense-mediated mRNA decay. The c.1385delC mutation was not observed in approximately 6,500 individuals of European and African American ancestry in the NHLBI Exome Sequencing Project, indicating it is not a common benign variant in these populations. We interpret c.1385delC as a disease-causing mutation.

NM_000057.4(BLM):c.1385del (p.Ser462fs)

Gene: BLM (BLM RecQ like helicase; plus strand). Cytogenetic location: 15q26.1.
Variant type: Deletion.
Coding change: c.1385del on transcript NM_000057.4 (MANE Select); coding-DNA position 1385, one base deleted (C; older notation c.1385delC).
Protein change: p.Ser462fs; shifts the reading frame from serine 462.
Molecular consequence: frameshift variant.
Genome position (GRCh38, 1-based): chr15:90,760,758, C deleted. VCF-style (leftmost placement, unchanged base first): chr15-90760757-TC-T. GRCh37 (hg19) VCF-style: chr15-91303987-TC-T.
Other names: c.1385del (LRG_20t1); c.1385del, p.Ser462fs (NM_001287246.2, NM_001287247.2); c.260del, p.Ser87fs (NM_001287248.2); short protein forms S462fs, S87fs.
Identifiers: ClinVar variation 182060 (VCV000182060.1), dbSNP rs730881429, ClinGen allele CA298495.
Genomic context (GRCh38, chr15:90,760,757, plus strand): 5'-GATTCCTGCCCTACAGGGAATTCTATGAAGGAGTTAAATTTTTCACACCTTCCCTCAAAT[TC>T]TGTTTCTCCTGGGGACTGTTTACTGACTACCACCCTAGGAAAGACAGGATTCTCTGCCAC-3'